The following is an entry in ClinVar:

ClinVar aggregate classification (germline): Likely benign. Review status: criteria provided, single submitter (1 of 4 stars). 2 submissions from 2 submitters: Likely benign (1). 1 of the submissions does not count toward it. Last evaluated 2022-11-22.

Conditions:
PLXNA2-related disorder. Also called: PLXNA2-related condition.

Allele frequency attached by ClinVar (database versions not stated): ExAC 0.00002.
gnomAD v4.1: 63 of 1,614,064 alleles (0.0039%); highest among the groups gnomAD compares: Non-Finnish European, 0.0049%; no homozygotes.

Submissions (2):

Labcorp Genetics (formerly Invitae), Labcorp
Classification: Likely benign. Last evaluated: 2022-11-22. Review status: criteria provided, single submitter. Criteria: Invitae Variant Classification Sherloc (09022015). Collection method: clinical testing. Allele origin: germline.

PreventionGenetics, part of Exact Sciences
Classification: Likely benign for PLXNA2-related condition. Last evaluated: 2023-08-16. Review status: no assertion criteria provided. Collection method: clinical testing. Allele origin: germline. Not counted in ClinVar's aggregate classification.
Comment: This variant is classified as likely benign based on ACMG/AMP sequence variant interpretation guidelines (Richards et al. 2015 PMID: 25741868, with internal and published modifications).

NM_025179.4(PLXNA2):c.780C>T (p.Pro260=)

Gene: PLXNA2 (plexin A2; minus strand). Cytogenetic location: 1q32.2.
Variant type: single nucleotide variant.
Coding change: c.780C>T on transcript NM_025179.4 (MANE Select); coding-DNA position 780, C replaced by T.
Protein change: p.Pro260=; no amino-acid change (proline 260 retained).
Molecular consequence: synonymous variant.
Genome position (GRCh38, 1-based): chr1:208,217,143, G>A on the plus strand (C>T on the coding strand, the complement: PLXNA2 is on the minus strand). VCF-style: chr1-208217143-G-A. GRCh37 (hg19) VCF-style: chr1-208390488-G-A.
Other names: c.780C>T (NM_025179.3).
Identifiers: ClinVar variation 1611947 (VCV001611947.10), dbSNP rs751044766, ClinGen allele CA1374027.